The following is an entry in ClinVar:

NM_000443.4(ABCB4):c.875A>C (p.Lys292Thr)

Gene: ABCB4 (ATP binding cassette subfamily B member 4; minus strand). Cytogenetic location: 7q21.12.
Variant type: single nucleotide variant.
Coding change: c.875A>C on transcript NM_000443.4 (MANE Select); coding-DNA position 875, A replaced by C.
Protein change: p.Lys292Thr; replaces lysine 292 with threonine.
Molecular consequence: missense variant.
Genome position (GRCh38, 1-based): chr7:87,447,164, T>G on the plus strand (A>C on the coding strand, the complement: ABCB4 is on the minus strand). VCF-style: chr7-87447164-T-G. GRCh37 (hg19) VCF-style: chr7-87076480-T-G.
Other names: c.875A>C, p.Lys292Thr (NM_018849.3, NM_018850.3); short protein forms K292T.
Identifiers: ClinVar variation 5000493 (VCV005000493.1).
Genomic context (GRCh38, chr7:87,447,164, plus strand): 5'-TATGATGCATATATTAACAGGAAGGCAATACCCATGGAAATGTTTGCTGAAATAGCTTTT[T>G]TAATTCCAATCTCTTTGGCATTTTCTAAATGTTTCTGATACCTACCAGAAAAATGAGAGG-3'
Protein context (NP_000434.1, residues 282-302): HLENAKEIGI[Lys292Thr]KAISANISMG

ClinVar aggregate classification (germline): Uncertain significance (1 of 4 stars; one submission).

Conditions:
ABCB4-related disorder. Also called: ABCB4-related disorders; ABCB4-related condition.

gnomAD v4.1: 1 of 1,614,016 alleles (0.000062%); highest among the groups gnomAD compares: South Asian, 0.0011%; no homozygotes.

Submission:

PreventionGenetics, part of Exact Sciences
Classification: Uncertain significance for ABCB4-related condition. Last evaluated: 2024-12-04. Review status: criteria provided, single submitter. Criteria: ACMG Guidelines, 2015. Collection method: clinical testing. Allele origin: germline.
Comment: The ABCB4 c.875A>C variant is predicted to result in the amino acid substitution p.Lys292Thr. To our knowledge, this variant has not been reported in the literature or in a large population database (gnomAD), indicating this variant is rare. At this time, the clinical significance of this variant is uncertain due to the absence of conclusive functional and genetic evidence.